The following is an entry in ClinVar:

NC_000013.11:g.(32326614_32329442)_(32339423_32344557)del

Gene: BRCA2 (BRCA2 DNA repair associated; plus strand). Cytogenetic location: 13q13.1.
Variant type: Deletion.
Identifiers: ClinVar variation 981960 (VCV000981960.1).

ClinVar aggregate classification (germline): Pathogenic (1 of 4 stars; one submission).

Conditions:
Hereditary breast ovarian cancer syndrome. Also called: Hereditary breast and ovarian cancer syndrome; Hereditary breast and/or ovarian cancer syndrome; Hereditary breast and ovarian cancer syndrome (HBOC); Hereditary breast and ovarian cancer; Breast and ovarian cancer; BRCA1- and BRCA2-Associated Hereditary Breast and Ovarian Cancer. Identifiers: Orphanet 145, MedGen C0677776, MeSH D061325, MONDO:0003582. Disease mechanism: loss of function.

Submission:

Women's Health and Genetics/Laboratory Corporation of America, LabCorp
Classification: Pathogenic for Hereditary breast and ovarian cancer syndrome. Last evaluated: 2020-03-11. Review status: criteria provided, single submitter. Criteria: LabCorp Variant Classification Summary - May 2015. Collection method: clinical testing. Allele origin: germline.
Comment: Variant summary: The variant identified by MLPA or other technology involves the deletion of exon 8 to a partial region of exon 11 in the BRCA2 gene. A presumed nomenclature of c.(631+1_632-1)_(5068_6842-1)del has been designated for the purposes of this classification. Although exact breakpoints of this deletion are not known, it is expected to result in a large deletion change in the BRCA2 gene, a known mechanism of disease. The frequency of this variant in the general population could not be determined as the technology used for large population databases (ExAC, gnomAD, ESP, 1000G) cannot detect variants of this type. Similar variants encompassing the same exons but only differing in breakpoints, such as exons 8-11 del (c.632-1366_3312del9591) and exons 8-11a del (c.824_6768) and another similar variant encompassing exons 9-10 del (c.682-?_1909+?del), have been reported in affected or at- risk individuals (Tea_2014, Staaf_2008, Agata_2005). To our knowledge, no experimental evidence demonstrating the variant's impact on protein function have been reported. A ClinVar submission from a clinical diagnostic laboratory (evaluation after 2014) cites the variant as pathogenic. Based on the evidence outlined above, the variant was classified as pathogenic.

Literature cited by the submitters: PubMed 24156927; PubMed 18330910; PubMed 16199546.